The following is an entry in ClinVar:

NM_004082.5(DCTN1):c.2462C>G (p.Pro821Arg)

Gene: DCTN1 (dynactin subunit 1; minus strand). Cytogenetic location: 2p13.1.
Variant type: single nucleotide variant.
Coding change: c.2462C>G on transcript NM_004082.5 (MANE Select); coding-DNA position 2462, C replaced by G.
Protein change: p.Pro821Arg; replaces proline 821 with arginine.
Molecular consequence: missense variant. On other transcripts: non-coding transcript variant (1).
Genome position (GRCh38, 1-based): chr2:74,366,787, G>C on the plus strand (C>G on the coding strand, the complement: DCTN1 is on the minus strand). VCF-style: chr2-74366787-G-C. GRCh37 (hg19) VCF-style: chr2-74593914-G-C.
Other names: c.2402C>G, p.Pro801Arg (NM_001135040.3); c.2060C>G, p.Pro687Arg (NM_001135041.3, NM_023019.4); c.2351C>G, p.Pro784Arg (NM_001190836.2); c.2441C>G, p.Pro814Arg (NM_001190837.2); c.2411C>G, p.Pro804Arg (NM_001378991.1); c.2393C>G, p.Pro798Arg (NM_001378992.1); short protein forms P687R, P814R, P798R, P801R, P784R, P804R, P821R.
Identifiers: ClinVar variation 2949333 (VCV002949333.3), dbSNP rs768001704, ClinGen allele CA347347063.

ClinVar aggregate classification (germline): Uncertain significance (1 of 4 stars; one submission).

Conditions:
Amyotrophic lateral sclerosis type 1 (ALS1). Also called: AMYOTROPHIC LATERAL SCLEROSIS 1, FAMILIAL. Identifiers: Orphanet 803, MedGen C1862939, MONDO:0007103, OMIM 105400.
Neuronopathy, distal hereditary motor, type 7B. Also called: HMN VIIB; LOWER MOTOR NEURON DISEASE, DYNACTIN TYPE; NEURONOPATHY, DISTAL HEREDITARY MOTOR, AUTOSOMAL DOMINANT 14; NEURONOPATHY, DISTAL HEREDITARY MOTOR, HARDING TYPE VIIB; NEUROPATHY, DISTAL HEREDITARY MOTOR, HARDING TYPE VIIB; NEUROPATHY, DISTAL HEREDITARY MOTOR, WITH VOCAL CORD PARALYSIS, HARDING TYPE VIIB. Identifiers: Orphanet 139589, MedGen C1843315, MONDO:0011879, OMIM 607641.
Perry syndrome. Also called: PARKINSONISM WITH ALVEOLAR HYPOVENTILATION AND MENTAL DEPRESSION. Identifiers: Orphanet 178509, MedGen C1868594, MONDO:0008201, OMIM 168605.

Submission:

Labcorp Genetics (formerly Invitae), Labcorp
Classification: Uncertain significance for Amyotrophic lateral sclerosis type 1; Neuronopathy, distal hereditary motor, type 7B; Perry syndrome. Last evaluated: 2023-06-27. Review status: criteria provided, single submitter. Criteria: Invitae Variant Classification Sherloc (09022015). Collection method: clinical testing. Allele origin: germline.
Comment: In summary, the available evidence is currently insufficient to determine the role of this variant in disease. Therefore, it has been classified as a Variant of Uncertain Significance. Advanced modeling of protein sequence and biophysical properties (such as structural, functional, and spatial information, amino acid conservation, physicochemical variation, residue mobility, and thermodynamic stability) performed at Invitae indicates that this missense variant is not expected to disrupt DCTN1 protein function. This variant has not been reported in the literature in individuals affected with DCTN1-related conditions. This variant is not present in population databases (gnomAD no frequency). This sequence change replaces proline, which is neutral and non-polar, with arginine, which is basic and polar, at codon 821 of the DCTN1 protein (p.Pro821Arg).